The following is an entry in ClinVar:

ClinVar aggregate classification (germline): Uncertain significance (1 of 4 stars; one submission).

Allele frequency attached by ClinVar (database versions not stated): gnomAD exomes below 0.00001.
gnomAD v4.1: 2 of 1,614,210 alleles (0.00012%); highest among the groups gnomAD compares: Non-Finnish European, 0.00017%; no homozygotes.

Submission:

Labcorp Genetics (formerly Invitae), Labcorp
Classification: Uncertain significance. Last evaluated: 2022-09-16. Review status: criteria provided, single submitter. Criteria: Invitae Variant Classification Sherloc (09022015). Collection method: clinical testing. Allele origin: germline.
Comment: This sequence change replaces leucine, which is neutral and non-polar, with phenylalanine, which is neutral and non-polar, at codon 660 of the LRP5 protein (p.Leu660Phe). This variant is not present in population databases (gnomAD no frequency). This variant has not been reported in the literature in individuals affected with LRP5-related conditions. Advanced modeling of protein sequence and biophysical properties (such as structural, functional, and spatial information, amino acid conservation, physicochemical variation, residue mobility, and thermodynamic stability) performed at Invitae indicates that this missense variant is not expected to disrupt LRP5 protein function. In summary, the available evidence is currently insufficient to determine the role of this variant in disease. Therefore, it has been classified as a Variant of Uncertain Significance.

NM_002335.4(LRP5):c.1978C>T (p.Leu660Phe)

Gene: LRP5 (LDL receptor related protein 5; plus strand). Cytogenetic location: 11q13.2.
Variant type: single nucleotide variant.
Coding change: c.1978C>T on transcript NM_002335.4 (MANE Select); coding-DNA position 1978, C replaced by T.
Protein change: p.Leu660Phe; replaces leucine 660 with phenylalanine.
Molecular consequence: missense variant.
Genome position (GRCh38, 1-based): chr11:68,406,700, C>T. VCF-style: chr11-68406700-C-T. GRCh37 (hg19) VCF-style: chr11-68174168-C-T.
Other names: c.235C>T, p.Leu79Phe (NM_001291902.2); short protein forms L660F, L79F.
Identifiers: ClinVar variation 1719609 (VCV001719609.5), dbSNP rs2496719749, ClinGen allele CA381615695.